The following is an entry in ClinVar:

ClinVar aggregate classification (germline): Uncertain significance (1 of 4 stars; one submission).

Submission:

GeneDx
Classification: Uncertain significance. Last evaluated: 2017-07-12. Review status: criteria provided, single submitter. Criteria: GeneDx Variant Classification (06012015). Collection method: clinical testing. Allele origin: germline. Affected: yes.
Comment: A variant of uncertain significance has been identified in the ARX gene. The G66S variant has not been published as a pathogenic variant, nor has it been reported as a benign variant to our knowledge. The G66S variant is not observed in large population cohorts (Lek et al., 2016; 1000 Genomes Consortium et al., 2015; Exome Variant Server). The G66S variant is a non-conservative amino acid substitution, which is likely to impact secondary protein structure as these residues differ in polarity, charge, size and/or other properties. However, this substitution occurs at a position that is not conserved. In silico analysis is inconsistent in its predictions as to whether or not the variant is damaging to the protein structure/function. Therefore, based on the currently available information, it is unclear whether this variant is a pathogenic variant or a rare benign variant.

NM_139058.3(ARX):c.196G>A (p.Gly66Ser)

Gene: ARX (aristaless related homeobox; minus strand). Cytogenetic location: Xp21.3.
Variant type: single nucleotide variant.
Coding change: c.196G>A on transcript NM_139058.3 (MANE Select); coding-DNA position 196, G replaced by A.
Protein change: p.Gly66Ser; replaces glycine 66 with serine.
Molecular consequence: missense variant.
Genome position (GRCh38, 1-based): chrX:25,015,542, C>T on the plus strand (G>A on the coding strand, the complement: ARX is on the minus strand). VCF-style: chrX-25015542-C-T. GRCh37 (hg19) VCF-style: chrX-25033659-C-T.
Other names: short protein forms G66S.
Identifiers: ClinVar variation 373713 (VCV000373713.2), dbSNP rs1057518564, ClinGen allele CA16043230.